The following is an entry in ClinVar:

ClinVar aggregate classification (germline): Likely benign. Review status: criteria provided, multiple submitters, no conflicts (2 of 4 stars). 5 submissions from 5 submitters: Likely benign (4). 1 of the submissions does not count toward it. Last evaluated 2025-09-05.

Conditions:
Hereditary cancer-predisposing syndrome. Also called: Tumor predisposition; Hereditary neoplastic syndrome; Hereditary Cancer Syndrome; Neoplastic Syndromes, Hereditary. Identifiers: Orphanet 140162, MedGen C0027672, MeSH D009386, MONDO:0015356.
Hereditary breast ovarian cancer syndrome. Also called: Hereditary breast and/or ovarian cancer syndrome; Breast and ovarian cancer; Hereditary breast and ovarian cancer syndrome; Hereditary breast and ovarian cancer; Hereditary breast and ovarian cancer syndrome (HBOC); BRCA1- and BRCA2-Associated Hereditary Breast and Ovarian Cancer. Identifiers: Orphanet 145, MedGen C0677776, MeSH D061325, MONDO:0003582. Disease mechanism: loss of function.
Breast-ovarian cancer, familial, susceptibility to, 1 (BROVCA1). Also called: BRCA1 Hereditary Breast and Ovarian Cancer; OVARIAN CANCER, SUSCEPTIBILITY TO. Identifiers: Orphanet 145, MedGen C2676676, MONDO:0011450, OMIM 604370. Disease mechanism: loss of function.

Allele frequency attached by ClinVar (database versions not stated): gnomAD exomes below 0.00001; TOPMed below 0.00001; gnomAD 0.00001.
gnomAD v4.1: 3 of 1,597,178 alleles (0.00019%); highest among the groups gnomAD compares: Non-Finnish European, 0.00026%; no homozygotes.

Submissions (5):

Labcorp Genetics (formerly Invitae), Labcorp
Classification: Likely benign for Hereditary breast ovarian cancer syndrome. Last evaluated: 2025-09-05. Review status: criteria provided, single submitter. Criteria: Invitae Variant Classification Sherloc (09022015). Collection method: clinical testing. Allele origin: germline.

Women's Health and Genetics/Laboratory Corporation of America, LabCorp
Classification: Likely benign. Last evaluated: 2024-12-17. Review status: criteria provided, single submitter. Criteria: LabCorp Variant Classification Summary - May 2015. Collection method: clinical testing. Allele origin: germline.
Comment: Variant summary: BRCA1 c.671-15T>A alters a nucleotide located at a position not widely known to affect splicing. Consensus agreement among computation tools predict no significant impact on normal splicing (TrAP). However, these predictions have yet to be confirmed by functional studies. The variant was absent in 219956 control chromosomes. The available data on variant occurrences in the general population are insufficient to allow any conclusion about variant significance. To our knowledge, no occurrence of c.671-15T>A in individuals affected with Hereditary Breast And Ovarian Cancer Syndrome and no experimental evidence demonstrating its impact on protein function have been reported. ClinVar contains an entry for this variant (Variation ID: 125906). Based on the evidence outlined above, the variant was classified as likely benign.

Color Diagnostics, LLC DBA Color Health
Classification: Likely benign for Hereditary cancer-predisposing syndrome. Last evaluated: 2018-01-08. Review status: criteria provided, single submitter. Criteria: ACMG Guidelines, 2015. Collection method: clinical testing. Allele origin: germline.

GeneDx
Classification: Likely benign. Last evaluated: 2016-01-20. Review status: criteria provided, single submitter. Criteria: GeneDx Variant Classification (06012015). Collection method: clinical testing. Allele origin: germline. Affected: yes.
Comment: This variant is considered likely benign or benign based on one or more of the following criteria: it is a conservative change, it occurs at a poorly conserved position in the protein, it is predicted to be benign by multiple in silico algorithms, and/or has population frequency not consistent with disease.

Breast Cancer Information Core (BIC) (BRCA1)
Classification: Uncertain significance for Breast-ovarian cancer, familial 1. Last evaluated: 2004-11-25. Review status: no assertion criteria provided. Collection method: clinical testing. Allele origin: germline. Affected: yes. Observed: 1 variant allele. Not counted in ClinVar's aggregate classification.

Literature cited by the submitters: PubMed 21523855 (cited by Women's Health and Genetics/Laboratory Corporation of America, LabCorp).

NM_007294.4(BRCA1):c.671-15T>A

Gene: BRCA1 (BRCA1 DNA repair associated; minus strand). Cytogenetic location: 17q21.31.
Variant type: single nucleotide variant.
Coding change: c.671-15T>A on transcript NM_007294.4 (MANE Select); 15 bases into the intron before coding-DNA position 671, T replaced by A.
Molecular consequence: intron variant.
Genome position (GRCh38, 1-based): chr17:43,094,875, A>T on the plus strand (T>A on the coding strand, the complement: BRCA1 is on the minus strand). VCF-style: chr17-43094875-A-T. GRCh37 (hg19) VCF-style: chr17-41246892-A-T.
Other names: IVS10-15T>A; c.530-15T>A (NM_001408458.1, NM_001408469.1, NM_001408453.1 and 43 more transcripts); c.-218-15T>A (NM_001407967.1, NM_001407966.1); c.290-15T>A (NM_001407959.1, NM_001408510.1, NM_001407963.1 and 1 more transcripts); c.404-15T>A (NM_001407931.1, NM_001407932.1, NM_001408503.1 and 5 more transcripts); c.527-15T>A (NM_001407747.1, NM_001408470.1, NM_001407848.1 and 26 more transcripts); c.287-15T>A (NM_001407962.1); c.167-15T>A (NM_001408512.1, NM_001407965.1); and 21 more.
Identifiers: ClinVar variation 125906 (VCV000125906.17), dbSNP rs80358058, ClinGen allele CA003802.